The following is an entry in ClinVar:

NM_001458.5(FLNC):c.7864G>T (p.Gly2622Cys)

Genes: FLNC (filamin C; plus strand), FLNC-AS1 (FLNC antisense RNA 1; minus strand). Cytogenetic location: 7q32.1.
Variant type: single nucleotide variant.
Coding change: c.7864G>T on transcript NM_001458.5 (MANE Select); coding-DNA position 7864, G replaced by T.
Protein change: p.Gly2622Cys; replaces glycine 2622 with cysteine.
Molecular consequence: missense variant.
Genome position (GRCh38, 1-based): chr7:128,858,091, G>T. VCF-style: chr7-128858091-G-T. GRCh37 (hg19) VCF-style: chr7-128498145-G-T.
Other names: c.7765G>T, p.Gly2589Cys (NM_001127487.2); c.7864G>T (NM_001458.4); short protein forms G2622C, G2589C.
Identifiers: ClinVar variation 1492159 (VCV001492159.7), dbSNP rs2128940583, ClinGen allele CA369220235.

ClinVar aggregate classification (germline): Uncertain significance. Review status: criteria provided, multiple submitters, no conflicts (2 of 4 stars). 2 submissions from 2 submitters: Uncertain significance (2). Last evaluated 2026-06-14.

Conditions:
Cardiovascular phenotype. Identifiers: MedGen CN230736.
Myofibrillar myopathy 5. Also called: Filaminopathy (type); FILAMINOPATHY, AUTOSOMAL DOMINANT. Identifiers: Orphanet 171445, MedGen C1836050, MONDO:0012289, OMIM 609524.
Distal myopathy with posterior leg and anterior hand involvement. Also called: WILLIAMS DISTAL MYOPATHY. Identifiers: Orphanet 63273, MedGen C3279722, MONDO:0013550, OMIM 614065.
Hypertrophic cardiomyopathy 26. Also called: Cardiomyopathy, familial hypertrophic, 26. Identifiers: Orphanet 75249, MedGen C4310749, MONDO:0014883, OMIM 617047.

Submissions (2):

Ambry Genetics
Classification: Uncertain significance for Cardiovascular phenotype. Last evaluated: 2026-06-14. Review status: criteria provided, single submitter. Criteria: Ambry Variant Classification Scheme 2023. Collection method: clinical testing. Allele origin: germline.
Comment: The p.G2622C variant (also known as c.7864G>T), located in coding exon 47 of the FLNC gene, results from a G to T substitution at nucleotide position 7864. The glycine at codon 2622 is replaced by cysteine, an amino acid with highly dissimilar properties. This amino acid position is conserved. In addition, the in silico prediction for this alteration is inconclusive. Based on the available evidence, the clinical significance of this variant remains unclear.

Labcorp Genetics (formerly Invitae), Labcorp
Classification: Uncertain significance for Distal myopathy with posterior leg and anterior hand involvement; Myofibrillar myopathy 5; Hypertrophic cardiomyopathy 26. Last evaluated: 2025-06-18. Review status: criteria provided, single submitter. Criteria: Invitae Variant Classification Sherloc (09022015). Collection method: clinical testing. Allele origin: germline.
Comment: This sequence change replaces glycine, which is neutral and non-polar, with cysteine, which is neutral and slightly polar, at codon 2622 of the FLNC protein (p.Gly2622Cys). This variant is not present in population databases (gnomAD no frequency). This variant has not been reported in the literature in individuals affected with FLNC-related conditions. ClinVar contains an entry for this variant (Variation ID: 1492159). An algorithm developed to predict the effect of missense changes on protein structure and function (PolyPhen-2) suggests that this variant is likely to be disruptive. In summary, the available evidence is currently insufficient to determine the role of this variant in disease. Therefore, it has been classified as a Variant of Uncertain Significance.